The following is an entry in ClinVar:

NM_006946.4(SPTBN2):c.4581GAA[1] (p.Lys1529del)

Gene: SPTBN2 (spectrin beta, non-erythrocytic 2; minus strand). Cytogenetic location: 11q13.2.
Variant type: Microsatellite.
Coding change: c.4581GAA[1] on transcript NM_006946.4 (MANE Select); one copy of the 3-base unit GAA starting at c.4581; the reference has two copies in a row; one copy, 3 bases deleted.
Protein change: p.Lys1529del; deletes lysine 1529.
Molecular consequence: inframe deletion.
Genome position (GRCh38, 1-based): chr11:66,693,779-66,693,781, TTC deleted on the plus strand (GAA on the coding strand, the reverse complement: SPTBN2 is on the minus strand); deleting any 3 consecutive bases within chr11:66,693,779-66,693,784 gives the same sequence; the position shown is the placement nearest the transcript's 3' end. VCF-style (leftmost placement, unchanged base first): chr11-66693778-TTTC-T. GRCh37 (hg19) VCF-style: chr11-66461249-TTTC-T.
Other names: short protein forms K1529del.
Identifiers: ClinVar variation 1512953 (VCV001512953.8), dbSNP rs1473724229, ClinGen allele CA679438489.

ClinVar aggregate classification (germline): Uncertain significance (1 of 4 stars; one submission).

Submission:

Labcorp Genetics (formerly Invitae), Labcorp
Classification: Uncertain significance. Last evaluated: 2021-04-17. Review status: criteria provided, single submitter. Criteria: Invitae Variant Classification Sherloc (09022015). Collection method: clinical testing. Allele origin: germline.
Comment: Experimental studies and prediction algorithms are not available or were not evaluated, and the functional significance of this variant is currently unknown. This variant has not been reported in the literature in individuals with SPTBN2-related conditions. This variant is not present in population databases (ExAC no frequency). This variant, c.4584_4586del, results in the deletion of 1 amino acid(s) of the SPTBN2 protein (p.Lys1529del), but otherwise preserves the integrity of the reading frame. In summary, the available evidence is currently insufficient to determine the role of this variant in disease. Therefore, it has been classified as a Variant of Uncertain Significance.